The following is an entry in ClinVar:

NM_133379.5(TTN):c.15379A>G (p.Thr5127Ala)

Gene: TTN (titin; minus strand). Cytogenetic location: 2q31.2.
Variant type: single nucleotide variant.
Coding change: c.15379A>G on transcript NM_133379.5; coding-DNA position 15379, A replaced by G.
Protein change: p.Thr5127Ala; replaces threonine 5127 with alanine.
Molecular consequence: missense variant. On other transcripts: intron variant (6).
Genome position (GRCh38, 1-based): chr2:178,747,021, T>C on the plus strand (A>G on the coding strand, the complement: TTN is on the minus strand). VCF-style: chr2-178747021-T-C. GRCh37 (hg19) VCF-style: chr2-179611748-T-C.
Other names: c.10223-5100A>G (NM_003319.4); c.10799-5100A>G (NM_133437.4); c.10598-5100A>G (NM_133432.3); c.10360+6103A>G (NM_133378.4); c.10361-5100A>G (NM_001256850.1); c.11312-5100A>G (NM_001267550.2); short protein forms T5127A.
Identifiers: ClinVar variation 1030170 (VCV001030170.1), dbSNP rs745702519, ClinGen allele CA2003111.

ClinVar aggregate classification (germline): Uncertain significance (1 of 4 stars; one submission).

Conditions:
Autosomal recessive limb-girdle muscular dystrophy type 2J (LGMDR10). Also called: Limb-girdle muscular dystrophy, type 2J; MUSCULAR DYSTROPHY, LIMB-GIRDLE, AUTOSOMAL RECESSIVE 10. Identifiers: Orphanet 140922, MedGen C1837342, MONDO:0012127, OMIM 608807.

Allele frequency attached by ClinVar (database versions not stated): ExAC 0.00001; gnomAD exomes 0.00001 and 0.00003.
gnomAD v4.1: 42 of 1,613,374 alleles (0.0026%); highest among the groups gnomAD compares: Non-Finnish European, 0.0034%; no homozygotes.

Submission:

Baylor Genetics
Classification: Uncertain significance for Autosomal recessive limb-girdle muscular dystrophy type 2J. Last evaluated: 2020-03-26. Review status: criteria provided, single submitter. Criteria: ACMG Guidelines, 2015. Collection method: clinical testing. Allele origin: unknown. Affected: yes.
Comment: This variant was determined to be of uncertain significance according to ACMG Guidelines, 2015 [PMID:25741868].